The following is an entry in ClinVar:

NM_001366385.1(CARD14):c.1091C>T (p.Ala364Val)

Gene: CARD14 (caspase recruitment domain family member 14; plus strand). Cytogenetic location: 17q25.3.
Variant type: single nucleotide variant.
Coding change: c.1091C>T on transcript NM_001366385.1 (MANE Select); coding-DNA position 1091, C replaced by T.
Protein change: p.Ala364Val; replaces alanine 364 with valine.
Molecular consequence: missense variant. On other transcripts: non-coding transcript variant (1).
Genome position (GRCh38, 1-based): chr17:80,191,324, C>T. VCF-style: chr17-80191324-C-T. GRCh37 (hg19) VCF-style: chr17-78165123-C-T.
Other names: c.1091C>T, p.Ala364Val (NM_024110.4, NM_001257970.1); c.380C>T, p.Ala127Val (NM_052819.3); short protein forms A364V, A127V.
Identifiers: ClinVar variation 782964 (VCV000782964.18), dbSNP rs141698692, ClinGen allele CA8816672.
Genomic context (GRCh38, chr17:80,191,324, plus strand): 5'-CTAGCTGAGGCTCCCCGGTGGTGATGGCGCGGCCTCCTTACTCCCGTCGTGGCCCACAGG[C>T]GTACTCCGCGAGGGACAGTGCTCAGAGGGAGATTTCCCAGAGCCTGGTGGAGAAGGACTC-3'
Protein context (NP_001353314.1, residues 354-374): VCELQKERDQ[Ala364Val]YSARDSAQRE

ClinVar aggregate classification (germline): Conflicting classifications of pathogenicity. Review status: criteria provided, conflicting classifications (1 of 4 stars). 6 submissions from 6 submitters: Uncertain significance (1); Benign (1); Likely benign (4). Last evaluated 2026-04-15.

Conditions:
CARD14-related disorder. Also called: CARD14-related condition.
Autoinflammatory syndrome. Identifiers: Orphanet 93665, MedGen C3890737, MONDO:0019751.
Pityriasis rubra pilaris (PRP). Also called: Pityriasis rubra pilaris--familial type. Identifiers: Orphanet 2897, MedGen C0032027, MONDO:0100017, OMIM 173200, MONDO:0008251.
Psoriasis 2. Identifiers: MedGen C1864497, MONDO:0011269, OMIM 602723.

Allele frequency attached by ClinVar (database versions not stated): gnomAD 0.00013 and 0.00014; TOPMed 0.00015; ExAC 0.00019; ESP Exome Variant Server 0.00023.
gnomAD v4.1: 214 of 1,610,794 alleles (0.013%); highest among the groups gnomAD compares: Middle Eastern, 0.049%; no homozygotes.

Submissions (6):

Women's Health and Genetics/Laboratory Corporation of America, LabCorp
Classification: Likely benign. Last evaluated: 2026-04-15. Review status: criteria provided, single submitter. Criteria: LabCorp Variant Classification Summary - May 2015. Collection method: clinical testing. Allele origin: germline.
Comment: Variant summary: CARD14 c.1091C>T (p.Ala364Val) results in a non-conservative amino acid change in the encoded protein sequence. Algorithms developed to predict the effect of missense changes on protein structure and function are either unavailable or do not agree on the potential impact of this missense change. The variant allele was found at a frequency of 0.00023 in 249434 control chromosomes. The observed variant frequency exceeds the estimated maximal expected allele frequency for disease-causing variants in CARD14. c.1091C>T has been observed in individual(s) affected with cryopyrin-associated periodic fever syndrome and familial Mediterranean fever, without strong evidence for causality (Sozeri_2021, Karacan_2019). These report(s) do not provide unequivocal conclusions about association of the variant with Pityriasis rubra pilaris. To our knowledge, no experimental evidence demonstrating an impact on protein function has been reported. The following publications have been ascertained in the context of this evaluation (PMID: 33165748, 30783801). ClinVar contains an entry for this variant (Variation ID: 782964). Based on the evidence outlined above, the variant was classified as likely benign.

Labcorp Genetics (formerly Invitae), Labcorp
Classification: Benign for Pityriasis rubra pilaris; Psoriasis 2. Last evaluated: 2025-12-18. Review status: criteria provided, single submitter. Criteria: Invitae Variant Classification Sherloc (09022015). Collection method: clinical testing. Allele origin: germline.

Dasa
Classification: Likely benign. Last evaluated: 2025-10-30. Review status: criteria provided, single submitter. Criteria: DASA Assertion Criteria. Collection method: clinical testing. Allele origin: germline.
Comment: NM_001366385.1(CARD14):c.1091C>T (p.Ala364Val) is a missense variant that results in the substitution of alanine with valine. Computational prediction algorithms are consistent with a benign effect. Therefore, based on the currently available evidence, this variant is classified as likely benign.

Blueprint Genetics
Classification: Likely benign. Last evaluated: 2024-10-31. Review status: criteria provided, single submitter. Criteria: ACMG Guidelines, 2015. Collection method: clinical testing. Allele origin: germline.

PreventionGenetics, part of Exact Sciences
Classification: Uncertain significance for CARD14-related condition. Last evaluated: 2023-10-03. Review status: criteria provided, single submitter. Criteria: ACMG Guidelines, 2015. Collection method: clinical testing. Allele origin: germline.
Comment: The CARD14 c.1091C>T variant is predicted to result in the amino acid substitution p.Ala364Val. To our knowledge, this variant has not been reported in the literature. This variant is reported in 0.39% of alleles in individuals of Ashkenazi Jewish descent in gnomAD. Although we suspect that this variant may be benign, at this time, the clinical significance of this variant is uncertain due to the absence of conclusive functional and genetic evidence.

Genome Diagnostics Laboratory, The Hospital for Sick Children
Classification: Likely benign for Autoinflammatory syndrome. Last evaluated: 2018-07-01. Review status: criteria provided, single submitter. Criteria: ACMG Guidelines, 2015. Collection method: clinical testing. Allele origin: germline. Affected: yes.

Literature cited by the submitters: PubMed 30783801 (cited by Women's Health and Genetics/Laboratory Corporation of America, LabCorp); PubMed 33165748 (cited by Women's Health and Genetics/Laboratory Corporation of America, LabCorp).